The following is an entry in ClinVar:

NM_001330078.2(NRXN1):c.751C>T (p.Arg251Cys)

Gene: NRXN1 (neurexin 1; minus strand). Cytogenetic location: 2p16.3.
Variant type: single nucleotide variant.
Coding change: c.751C>T on transcript NM_001330078.2 (MANE Select); coding-DNA position 751, C replaced by T.
Protein change: p.Arg251Cys; replaces arginine 251 with cysteine.
Molecular consequence: missense variant.
Genome position (GRCh38, 1-based): chr2:51,027,523, G>A on the plus strand (C>T on the coding strand, the complement: NRXN1 is on the minus strand). VCF-style: chr2-51027523-G-A. GRCh37 (hg19) VCF-style: chr2-51254661-G-A.
Other names: c.751C>T, p.Arg251Cys (NM_001135659.3, NM_001330077.2, NM_001330079.2 and 15 more transcripts); short protein forms R251C.
Identifiers: ClinVar variation 4810122 (VCV004810122.1).

ClinVar aggregate classification (germline): Uncertain significance (1 of 4 stars; one submission).

Conditions:
Pitt-Hopkins-like syndrome 2 (PTHSL2). Identifiers: Orphanet 221150, Orphanet 600663, MedGen C3280479, MONDO:0013690, OMIM 614325.

gnomAD v4.1: 2 of 1,549,418 alleles (0.00013%); highest among the groups gnomAD compares: Non-Finnish European, 0.000087%; no homozygotes.

Submission:

Labcorp Genetics (formerly Invitae), Labcorp
Classification: Uncertain significance for Pitt-Hopkins-like syndrome 2. Last evaluated: 2025-02-26. Review status: criteria provided, single submitter. Criteria: Invitae Variant Classification Sherloc (09022015). Collection method: clinical testing. Allele origin: germline.
Comment: This sequence change replaces arginine, which is basic and polar, with cysteine, which is neutral and slightly polar, at codon 251 of the NRXN1 protein (p.Arg251Cys). The frequency data for this variant in the population databases is considered unreliable, as metrics indicate poor data quality at this position in the gnomAD database. This variant has not been reported in the literature in individuals affected with NRXN1-related conditions. An algorithm developed to predict the effect of missense changes on protein structure and function (PolyPhen-2) suggests that this variant is likely to be disruptive. In summary, the available evidence is currently insufficient to determine the role of this variant in disease. Therefore, it has been classified as a Variant of Uncertain Significance.